The following is an entry in ClinVar:

NM_001370658.1(BTD):c.*3052G>C

Gene: BTD (biotinidase; plus strand). Cytogenetic location: 3p25.1.
Variant type: single nucleotide variant.
Coding change: c.*3052G>C on transcript NM_001370658.1 (MANE Select); 3052 bases downstream of the stop codon, G replaced by C.
Molecular consequence: 3 prime UTR variant. On other transcripts: intron variant (8).
Genome position (GRCh38, 1-based): chr3:15,648,540, G>C. VCF-style: chr3-15648540-G-C. GRCh37 (hg19) VCF-style: chr3-15690047-G-C.
Other names: c.*3052G>C (NM_001281723.4, NM_001281724.3, NM_001281725.3 and 16 more transcripts); c.1015+3609G>C (NM_001370752.1, NM_001407379.1); c.399+6483G>C (NM_001370753.1, NM_001407400.1, NM_001407380.1 and 1 more transcripts); c.400-971G>C (NM_001407398.1, NM_001407399.1).
Identifiers: ClinVar variation 3029062 (VCV003029062.2), dbSNP rs763007053, ClinGen allele CA70625810.

ClinVar aggregate classification (germline): Likely benign (0 of 4 stars; one submission).

Conditions:
BTD-related disorder. Also called: BTD-related condition.

Submission:

PreventionGenetics, part of Exact Sciences
Classification: Likely benign for BTD-related condition. Last evaluated: 2023-09-27. Review status: no assertion criteria provided. Collection method: clinical testing. Allele origin: germline.
Comment: This variant is classified as likely benign based on ACMG/AMP sequence variant interpretation guidelines (Richards et al. 2015 PMID: 25741868, with internal and published modifications).